The following is an entry in ClinVar:

ClinVar aggregate classification (germline): Uncertain significance (1 of 4 stars; one submission).

Conditions:
Inborn genetic diseases. Identifiers: MedGen C0950123, MeSH D030342.

Submission:

Ambry Genetics
Classification: Uncertain significance for Inborn genetic diseases. Last evaluated: 2026-01-22. Review status: criteria provided, single submitter. Criteria: Ambry Variant Classification Scheme 2023. Collection method: clinical testing. Allele origin: germline.
Comment: The p.K1477N variant (also known as c.4431A>T), located in coding exon 13 of the ASXL1 gene, results from an A to T substitution at nucleotide position 4431. The lysine at codon 1477 is replaced by asparagine, an amino acid with similar properties. This amino acid position is conserved. In addition, this alteration is predicted to be tolerated by in silico analysis. Based on the available evidence, the clinical significance of this variant remains unclear.

NM_015338.6(ASXL1):c.4431A>T (p.Lys1477Asn)

Gene: ASXL1 (ASXL transcriptional regulator 1; plus strand). Cytogenetic location: 20q11.21.
Variant type: single nucleotide variant.
Coding change: c.4431A>T on transcript NM_015338.6 (MANE Select); coding-DNA position 4431, A replaced by T.
Protein change: p.Lys1477Asn; replaces lysine 1477 with asparagine.
Molecular consequence: missense variant.
Genome position (GRCh38, 1-based): chr20:32,437,143, A>T. VCF-style: chr20-32437143-A-T. GRCh37 (hg19) VCF-style: chr20-31024946-A-T.
Other names: c.4248A>T, p.Lys1416Asn (NM_001363734.1); short protein forms K1416N, K1477N.
Identifiers: ClinVar variation 4825198 (VCV004825198.1).
Genomic context (GRCh38, chr20:32,437,143, plus strand): 5'-CTCTAGCTCTCCCACCTTTCCCAAAGGCCTTGCTGGAAGTGTGGTGCAGCTGAGCCACAA[A>T]GCAAACTTTGGTGCGAGCCACAGTGCATCACTTTCCTTGCAAATGTTCACTGACAGCAGC-3'
Protein context (NP_056153.2, residues 1467-1487): LAGSVVQLSH[Lys1477Asn]ANFGASHSAS